The following is an entry in ClinVar:

ClinVar aggregate classification (germline): Uncertain significance (1 of 4 stars; one submission).

Conditions:
Catecholaminergic polymorphic ventricular tachycardia 1. Also called: RYR2-Related Catecholaminergic Polymorphic Ventricular Tachycardia; VENTRICULAR TACHYCARDIA, CATECHOLAMINERGIC POLYMORPHIC, 1, WITH OR WITHOUT ATRIAL DYSFUNCTION AND/OR DILATED CARDIOMYOPATHY; VENTRICULAR TACHYCARDIA, STRESS-INDUCED POLYMORPHIC 1. Identifiers: Orphanet 3286, MedGen C1631597, MONDO:0011484, OMIM 604772.

Submission:

Labcorp Genetics (formerly Invitae), Labcorp
Classification: Uncertain significance for Catecholaminergic polymorphic ventricular tachycardia 1. Last evaluated: 2020-06-04. Review status: criteria provided, single submitter. Criteria: Invitae Variant Classification Sherloc (09022015). Collection method: clinical testing. Allele origin: germline.
Comment: This sequence change affects codon 279 of the CASQ2 mRNA. It is a 'silent' change, meaning that it does not change the encoded amino acid sequence of the CASQ2 protein. This variant is not present in population databases (ExAC no frequency). This variant has not been reported in the literature in individuals with CASQ2-related conditions. Algorithms developed to predict the effect of sequence changes on RNA splicing suggest that this variant may disrupt the consensus splice site, but this prediction has not been confirmed by published transcriptional studies. In summary, the available evidence is currently insufficient to determine the role of this variant in disease. Therefore, it has been classified as a Variant of Uncertain Significance.

NM_001232.4(CASQ2):c.837A>T (p.Pro279=)

Gene: CASQ2 (calsequestrin 2; minus strand). Cytogenetic location: 1p13.1.
Variant type: single nucleotide variant.
Coding change: c.837A>T on transcript NM_001232.4 (MANE Select); coding-DNA position 837, A replaced by T.
Protein change: p.Pro279=; no amino-acid change (proline 279 retained).
Molecular consequence: synonymous variant.
Genome position (GRCh38, 1-based): chr1:115,717,841, T>A on the plus strand (A>T on the coding strand, the complement: CASQ2 is on the minus strand). VCF-style: chr1-115717841-T-A. GRCh37 (hg19) VCF-style: chr1-116260462-T-A.
Identifiers: ClinVar variation 1001675 (VCV001001675.48), dbSNP rs1647217312, ClinGen allele CA419895836.